The following is an entry in ClinVar:

NM_001082971.2(DDC):c.823G>A (p.Ala275Thr)

Gene: DDC (dopa decarboxylase; minus strand). Cytogenetic location: 7p12.2.
Variant type: single nucleotide variant.
Coding change: c.823G>A on transcript NM_001082971.2 (MANE Select); coding-DNA position 823, G replaced by A.
Protein change: p.Ala275Thr; replaces alanine 275 with threonine.
Molecular consequence: missense variant.
Genome position (GRCh38, 1-based): chr7:50,499,201, C>T on the plus strand (G>A on the coding strand, the complement: DDC is on the minus strand). VCF-style: chr7-50499201-C-T. GRCh37 (hg19) VCF-style: chr7-50566899-C-T.
Other names: c.823G>A, p.Ala275Thr (NM_000790.4, NM_001242890.2); c.709G>A, p.Ala237Thr (NM_001242886.2); c.679G>A, p.Ala227Thr (NM_001242887.2); c.589G>A, p.Ala197Thr (NM_001242888.2); c.544G>A, p.Ala182Thr (NM_001242889.2); c.823G>A (NM_000790.3); short protein forms A275T, A227T, A237T, A182T, A197T.
Identifiers: ClinVar variation 17814 (VCV000017814.17), dbSNP rs137853212, ClinGen allele CA127452.

ClinVar aggregate classification (germline): Pathogenic/Likely pathogenic. Review status: criteria provided, multiple submitters, no conflicts (2 of 4 stars). 7 submissions from 7 submitters: Pathogenic (2); Likely pathogenic (4). 1 of the submissions does not count toward it. Last evaluated 2025-11-03.

Conditions:
DDC-related disorder. Also called: DDC-related condition.
Deficiency of aromatic-L-amino-acid decarboxylase. Also called: Aromatic amino acid decarboxylase deficiency; AADC DEFICIENCY; DDC DEFICIENCY; DOPA DECARBOXYLASE DEFICIENCY; Aromatic L-Amino Acid Decarboxylase Deficiency. Identifiers: Orphanet 35708, MedGen C1291564, MONDO:0012084, OMIM 608643.

Allele frequency attached by ClinVar (database versions not stated): TOPMed 0.00002; gnomAD 0.00003; gnomAD exomes 0.00001; ExAC 0.00002.
gnomAD v4.1: 16 of 1,613,810 alleles (0.00099%); highest among the groups gnomAD compares: African/African-American, 0.0053%; no homozygotes.

Submissions (7):

Labcorp Genetics (formerly Invitae), Labcorp
Classification: Pathogenic for Deficiency of aromatic-L-amino-acid decarboxylase. Last evaluated: 2025-11-03. Review status: criteria provided, single submitter. Criteria: Invitae Variant Classification Sherloc (09022015). Collection method: clinical testing. Allele origin: germline.
Comment: This sequence change replaces alanine, which is neutral and non-polar, with threonine, which is neutral and polar, at codon 275 of the DDC protein (p.Ala275Thr). This variant is present in population databases (rs137853212, gnomAD 0.007%). This missense change has been observed in individual(s) with aromatic L-amino acid decarboxylase deficiency (PMID: 9789536, 30952622, 37348148). ClinVar contains an entry for this variant (Variation ID: 17814). Invitae Evidence Modeling of protein sequence and biophysical properties (such as structural, functional, and spatial information, amino acid conservation, physicochemical variation, residue mobility, and thermodynamic stability) indicates that this missense variant is expected to disrupt DDC protein function with a positive predictive value of 80%. Experimental studies have shown that this missense change affects DDC function (PMID: 21541720). For these reasons, this variant has been classified as Pathogenic.

Women's Health and Genetics/Laboratory Corporation of America, LabCorp
Classification: Pathogenic for Deficiency of aromatic-L-amino-acid decarboxylase. Last evaluated: 2025-02-03. Review status: criteria provided, single submitter. Criteria: LabCorp Variant Classification Summary - May 2015. Collection method: clinical testing. Allele origin: germline.
Comment: Variant summary: DDC c.823G>A (p.Ala275Thr) results in a non-conservative amino acid change in the encoded protein sequence. Five of five in-silico tools predict a damaging effect of the variant on protein function. The variant allele was found at a frequency of 1.2e-05 in 250978 control chromosomes (gnomAD). c.823G>A has been reported in the literature in multiple individuals affected with Deficiency Of Aromatic-L-Amino-Acid Decarboxylase (e.g. Himmelreich_2023). These data indicate that the variant is very likely to be associated with disease. At least one publication reports experimental evidence evaluating an impact on protein function. The most pronounced variant effect results in <10% of normal enzymatic activity (Montioli_2011). The following publications have been ascertained in the context of this evaluation (PMID: 37348148, 21541720). ClinVar contains an entry for this variant (Variation ID: 17814). Based on the evidence outlined above, the variant was classified as pathogenic.

Blueprint Genetics
Classification: Likely pathogenic for DDC-related disorders. Last evaluated: 2024-10-09. Review status: criteria provided, single submitter. Criteria: ACMG Guidelines, 2015. Collection method: clinical testing. Allele origin: germline. Affected: yes. Observed: 5 variant alleles.

GeneDx
Classification: Likely pathogenic. Last evaluated: 2023-11-03. Review status: criteria provided, single submitter. Criteria: GeneDx Variant Classification Process June 2021. Collection method: clinical testing. Allele origin: germline. Affected: yes.
Comment: Published functional studies demonstrate a reduction in catalytic efficiency and PLP binding affinity (PMID: 21541720); In silico analysis supports that this missense variant has a deleterious effect on protein structure/function; Not observed at significant frequency in large population cohorts (gnomAD); This variant is associated with the following publications: (PMID: 21541720, 36427457, 9789536)

3billion
Classification: Likely pathogenic for Deficiency of aromatic-L-amino-acid decarboxylase. Last evaluated: 2023-10-13. Review status: criteria provided, single submitter. Criteria: ACMG Guidelines, 2015. Collection method: clinical testing. Allele origin: germline. Affected: yes.
Comment: The variant is observed at an extremely low frequency in the gnomAD v2.1.1 dataset (total allele frequency: 0.001%). Predicted Consequence/Location: Missense variant Functional studies provide strong evidence of the variant having a damaging effect on the gene or gene product (PMID: 21541720, 36427457). In silico tool predictions suggest damaging effect of the variant on gene or gene product [3Cnet: 0.90 (>=0.6, sensitivity 0.72 and precision 0.9)]. The variant has been reported to be in trans with a pathogenic variant as either compound heterozygous or homozygous in at least one similarly affected unrelated individual (PMID: 30952622). Therefore, this variant is classified as Likely pathogenic according to the recommendation of ACMG/AMP guideline.

Juno Genomics, Hangzhou Juno Genomics, Inc
Classification: Likely pathogenic for Deficiency of aromatic-L-amino-acid decarboxylase. Review status: criteria provided, single submitter. Criteria: ACMG Guidelines, 2015. Collection method: clinical testing. Allele origin: germline.
Comment: Absent from controls (or at extremely low frequency if recessive) in Genome Aggregation Database.;Patient's phenotype or family history is highly specific for a disease with a single genetic etiology.;For recessive disorders, detected in trans with a pathogenic variant.;Well-established in vitro or in vivo functional studies supportive of a damaging effect on the gene or gene product.

OMIM
Classification: Pathogenic for AROMATIC L-AMINO ACID DECARBOXYLASE DEFICIENCY. Last evaluated: 2022-08-11. Review status: no assertion criteria provided. Collection method: literature only. Allele origin: germline. Not counted in ClinVar's aggregate classification.

Literature cited by the submitters: PubMed 9789536 (cited by Labcorp Genetics (formerly Invitae), Labcorp); PubMed 30952622 (cited by Labcorp Genetics (formerly Invitae), Labcorp and 3billion); PubMed 37348148 (cited by Labcorp Genetics (formerly Invitae), Labcorp and Women's Health and Genetics/Laboratory Corporation of America, LabCorp); PubMed 21541720 (cited by 3 submitters); PubMed 36427457 (cited by 3billion); Chang, Y. T., Mues, G., McPherson, J. D., Bedell, J., Marsh, J. L., Hyland, K., Courtwright, K. H., Summers, J. W. Mutations in the human aromatic L-amino acid decarboxylase gene. (Abstract) J. Inherit. Metab. Dis. 21: 4-only, 1998. (cited by OMIM).